The following is an entry in ClinVar:

NM_001321967.2(ATAD1):c.383-3C>T

Gene: ATAD1 (ATPase family AAA domain containing 1; minus strand). Cytogenetic location: 10q23.31.
Variant type: single nucleotide variant.
Coding change: c.383-3C>T on transcript NM_001321967.2 (MANE Select); 3 bases into the intron before coding-DNA position 383, C replaced by T.
Molecular consequence: intron variant.
Genome position (GRCh38, 1-based): chr10:87,784,673, G>A on the plus strand (C>T on the coding strand, the complement: ATAD1 is on the minus strand). VCF-style: chr10-87784673-G-A. GRCh37 (hg19) VCF-style: chr10-89544430-G-A.
Other names: c.383-3C>T (NM_001321968.2, NM_032810.4); c.26-3C>T (NM_001321969.2).
Identifiers: ClinVar variation 1489385 (VCV001489385.5), dbSNP rs1589504282, ClinGen allele CA1926103376.
Genomic context (GRCh38, chr10:87,784,673, plus strand): 5'-GCTGTGGCCTTGGCAATCAACGTTTTACCACAGCCTGGAGGCCCATAGAGAAGAACACCT[G>A]GAAATGAATATGTTATTTATTACCTTTAAGGGGATATTTGCTTCAATTTATATGATAATC-3'

ClinVar aggregate classification (germline): Uncertain significance (1 of 4 stars; one submission).

Allele frequency attached by ClinVar (database versions not stated): gnomAD exomes below 0.00001.
gnomAD v4.1: 2 of 1,611,064 alleles (0.00012%); highest among the groups gnomAD compares: Non-Finnish European, 0.00017%; no homozygotes.

Submission:

Labcorp Genetics (formerly Invitae), Labcorp
Classification: Uncertain significance. Last evaluated: 2025-10-03. Review status: criteria provided, single submitter. Criteria: Invitae Variant Classification Sherloc (09022015). Collection method: clinical testing. Allele origin: germline.
Comment: This sequence change falls in intron 4 of the ATAD1 gene. It does not directly change the encoded amino acid sequence of the ATAD1 protein. It affects a nucleotide within the consensus splice site. This variant is not present in population databases (gnomAD no frequency). This variant has not been reported in the literature in individuals affected with ATAD1-related conditions. ClinVar contains an entry for this variant (Variation ID: 1489385). Variants that disrupt the consensus splice site are a relatively common cause of aberrant splicing (PMID: 17576681, 9536098). Algorithms developed to predict the effect of sequence changes on RNA splicing suggest that this variant is not likely to affect RNA splicing. In summary, the available evidence is currently insufficient to determine the role of this variant in disease. Therefore, it has been classified as a Variant of Uncertain Significance.

Literature cited by the submitters: PubMed 17576681; PubMed 9536098.